The following is an entry in ClinVar:

NM_173546.3(KLHDC8B):c.425A>G (p.Gln142Arg)

Gene: KLHDC8B (kelch domain containing 8B; plus strand). Cytogenetic location: 3p21.31.
Variant type: single nucleotide variant.
Coding change: c.425A>G on transcript NM_173546.3 (MANE Select); coding-DNA position 425, A replaced by G.
Protein change: p.Gln142Arg; replaces glutamine 142 with arginine.
Molecular consequence: missense variant.
Genome position (GRCh38, 1-based): chr3:49,174,287, A>G. VCF-style: chr3-49174287-A-G. GRCh37 (hg19) VCF-style: chr3-49211720-A-G.
Other names: short protein forms Q142R.
Identifiers: ClinVar variation 3617068 (VCV003617068.2).

ClinVar aggregate classification (germline): Uncertain significance (1 of 4 stars; one submission).

gnomAD v4.1: 1 of 1,613,632 alleles (0.000062%); highest among the groups gnomAD compares: Non-Finnish European, 0.000085%; no homozygotes.

Submission:

Labcorp Genetics (formerly Invitae), Labcorp
Classification: Uncertain significance. Last evaluated: 2024-05-28. Review status: criteria provided, single submitter. Criteria: Invitae Variant Classification Sherloc (09022015). Collection method: clinical testing. Allele origin: germline.
Comment: This sequence change replaces glutamine, which is neutral and polar, with arginine, which is basic and polar, at codon 142 of the KLHDC8B protein (p.Gln142Arg). This variant is not present in population databases (gnomAD no frequency). This variant has not been reported in the literature in individuals affected with KLHDC8B-related conditions. An algorithm developed to predict the effect of missense changes on protein structure and function (PolyPhen-2) suggests that this variant is likely to be disruptive. In summary, the available evidence is currently insufficient to determine the role of this variant in disease. Therefore, it has been classified as a Variant of Uncertain Significance.